The following is an entry in ClinVar:

GRCh37/hg19 2q36.2-37.3(chr2:225995545-237594511)x3

Genes: ACKR3 (atypical chemokine receptor 3; plus strand), AGAP1 (ArfGAP with GTPase domain, ankyrin repeat and PH domain 1; plus strand), AGFG1 (ArfGAP with FG repeats 1; plus strand), ALPG (alkaline phosphatase, germ cell; plus strand), ALPI (alkaline phosphatase, intestinal; plus strand) and 76 more. Cytogenetic location: 2q36.2-37.3.
Variant type: copy number gain.
Change: copy number 3 (three copies instead of two) of chr2:225,995,545-237,594,511 (11.60 Mb, GRCh37 coordinates, 1-based), cytogenetic band 2q36.2-37.3.
Identifiers: ClinVar variation 2685879 (VCV002685879.1).

ClinVar aggregate classification (germline): Pathogenic (1 of 4 stars; one submission).

Submission:

Quest Diagnostics Nichols Institute San Juan Capistrano
Classification: Pathogenic. Last evaluated: 2023-04-20. Review status: criteria provided, single submitter. Criteria: ACMG/ClinGen CNV Guidelines, 2019. Collection method: clinical testing. Allele origin: unknown.
Comment: The gain of 2q36.2q37.3 involves several protein-coding genes. Larger duplications overlapping this interval have been described in individuals with variable features including craniofacial abnormalities, developmental delay, and skeletal anomalies (Elbracht 2009, Ponnala 2012, Suzuki 2022). There are no similar copy number gains spanning this region in the general populations of the Database of Genomic Variants. Based on gene content, this copy number variant (CNV) is classified as likely pathogenic. References: Elbracht et al., Am J Med Genet A. 2009 Nov;149A(11):2547-50. PMID: 19876899 Gavril et al., Genes (Basel). 2023 Feb 11;14(2):465. PMID: 36833393 Le et al., Am J Med Genet A. 2019 May;179(5):782-791. PMID: 30848064 Ponnala et al., Cytogenet Genome Res. 2012;136(3):229-34. PMID: 22398442 Spielmann et al., Am J Med Genet A. 2016 May;170A(5):1202-7. PMID: 26822876 Suzuki et al., Hum Genome Var. 2022 Nov 10;9(1):39. PMID: 36357380